The following is an entry in ClinVar:

ClinVar aggregate classification (germline): Uncertain significance (1 of 4 stars; one submission).

Conditions:
Early-onset Lafora body disease. Also called: Epilepsy, progressive myoclonic, 10. Identifiers: Orphanet 324290, MedGen C4225258, MONDO:0014717, OMIM 616640.

Allele frequency attached by ClinVar (database versions not stated): gnomAD 0.00001; gnomAD exomes 0.00002.
gnomAD v4.1: 4 of 1,435,482 alleles (0.00028%); highest among the groups gnomAD compares: Middle Eastern, 0.024%; no homozygotes.

Submission:

Labcorp Genetics (formerly Invitae), Labcorp
Classification: Uncertain significance for Early-onset Lafora body disease. Last evaluated: 2019-06-07. Review status: criteria provided, single submitter. Criteria: Invitae Variant Classification Sherloc (09022015). Collection method: clinical testing. Allele origin: germline.
Comment: The frequency data for this variant in the population databases is considered unreliable, as metrics indicate insufficient coverage at this position in the ExAC database. This sequence change replaces glycine with serine at codon 489 of the PRDM8 protein (p.Gly489Ser). The glycine residue is weakly conserved and there is a small physicochemical difference between glycine and serine. This variant has not been reported in the literature in individuals with PRDM8-related conditions. Algorithms developed to predict the effect of missense changes on protein structure and function (SIFT, PolyPhen-2, Align-GVGD) all suggest that this variant is likely to be tolerated, but these predictions have not been confirmed by published functional studies and their clinical significance is uncertain. In summary, the available evidence is currently insufficient to determine the role of this variant in disease. Therefore, it has been classified as a Variant of Uncertain Significance.

NM_001099403.2(PRDM8):c.1465G>A (p.Gly489Ser)

Genes: PRDM8 (PR/SET domain 8; plus strand), LOC129992745 (ATAC-STARR-seq lymphoblastoid silent region 15522; plus strand). Cytogenetic location: 4q21.21.
Variant type: single nucleotide variant.
Coding change: c.1465G>A on transcript NM_001099403.2 (MANE Select); coding-DNA position 1465, G replaced by A.
Protein change: p.Gly489Ser; replaces glycine 489 with serine.
Molecular consequence: missense variant.
Genome position (GRCh38, 1-based): chr4:80,202,927, G>A. VCF-style: chr4-80202927-G-A. GRCh37 (hg19) VCF-style: chr4-81124081-G-A.
Other names: c.1465G>A, p.Gly489Ser (NM_020226.4); short protein forms G489S.
Identifiers: ClinVar variation 936105 (VCV000936105.10), dbSNP rs1310667127, ClinGen allele CA357400878.
Genomic context (GRCh38, chr4:80,202,927, plus strand): 5'-GCGGGCAGCACCAGCGGTGGGGGCGGAACGGGCGCCGGGGCCGCAGGCGGCGCGGGCGGG[G>A]GCCAGGGCGCCGCGTCGGACGAGCGCAAAAGCGCCTTCTCGCAGCCAGCACGCTCTTTCT-3'
Protein context (NP_001092873.1, residues 479-499): GAGAAGGAGG[Gly489Ser]QGAASDERKS